The following is an entry in ClinVar:

ClinVar aggregate classification (germline): Uncertain significance (1 of 4 stars; one submission).

Conditions:
Charcot-Marie-Tooth disease axonal type 2O. Also called: CHARCOT-MARIE-TOOTH DISEASE, AXONAL, AUTOSOMAL DOMINANT, TYPE 2O; CHARCOT-MARIE-TOOTH NEUROPATHY, AXONAL, TYPE 2O; Charcot-Marie-Tooth disease, axonal, type 20; Charcot-Marie-Tooth Neuropathy Type 2O. Identifiers: Orphanet 284232, MedGen C3280220, MONDO:0013644, OMIM 614228.

Allele frequency attached by ClinVar (database versions not stated): gnomAD exomes below 0.00001.
gnomAD v4.1: 1 of 1,614,098 alleles (0.000062%); highest among the groups gnomAD compares: Non-Finnish European, 0.000085%; no homozygotes.

Submission:

Labcorp Genetics (formerly Invitae), Labcorp
Classification: Uncertain significance for Charcot-Marie-Tooth disease axonal type 2O. Last evaluated: 2019-02-08. Review status: criteria provided, single submitter. Criteria: Invitae Variant Classification Sherloc (09022015). Collection method: clinical testing. Allele origin: germline.
Comment: In summary, the available evidence is currently insufficient to determine the role of this variant in disease. Therefore, it has been classified as a Variant of Uncertain Significance. Algorithms developed to predict the effect of missense changes on protein structure and function (SIFT, PolyPhen-2, Align-GVGD) all suggest that this variant is likely to be tolerated, but these predictions have not been confirmed by published functional studies and their clinical significance is uncertain. This variant has not been reported in the literature in individuals with DYNC1H1-related conditions. This variant is not present in population databases (ExAC no frequency). This sequence change replaces glycine with aspartic acid at codon 1042 of the DYNC1H1 protein (p.Gly1042Asp). The glycine residue is highly conserved and there is a moderate physicochemical difference between glycine and aspartic acid.

NM_001376.5(DYNC1H1):c.3125G>A (p.Gly1042Asp)

Gene: DYNC1H1 (dynein cytoplasmic 1 heavy chain 1; plus strand). Cytogenetic location: 14q32.31.
Variant type: single nucleotide variant.
Coding change: c.3125G>A on transcript NM_001376.5 (MANE Select); coding-DNA position 3125, G replaced by A.
Protein change: p.Gly1042Asp; replaces glycine 1042 with aspartic acid.
Molecular consequence: missense variant.
Genome position (GRCh38, 1-based): chr14:101,994,293, G>A. VCF-style: chr14-101994293-G-A. GRCh37 (hg19) VCF-style: chr14-102460630-G-A.
Other names: short protein forms G1042D.
Identifiers: ClinVar variation 843546 (VCV000843546.9), dbSNP rs2048032260, ClinGen allele CA391032464.